The following is an entry in ClinVar:

ClinVar aggregate classification (germline): Uncertain significance. Review status: criteria provided, multiple submitters, no conflicts (2 of 4 stars). 3 submissions from 3 submitters: Uncertain significance (3). Last evaluated 2023-10-13.

Conditions:
Inborn genetic diseases. Identifiers: MedGen C0950123, MeSH D030342.
Brody myopathy. Also called: BRODY DISEASE. Identifiers: Orphanet 53347, MedGen C1832918, MONDO:0010977, OMIM 601003.

Allele frequency attached by ClinVar (database versions not stated): gnomAD 0.00001; TOPMed 0.00001; ExAC 0.00002; gnomAD exomes 0.00002.
gnomAD v4.1: 13 of 1,613,718 alleles (0.00081%); highest among the groups gnomAD compares: Non-Finnish European, 0.0011%; no homozygotes.

Submissions (3):

Labcorp Genetics (formerly Invitae), Labcorp
Classification: Uncertain significance for Brody myopathy. Last evaluated: 2023-10-13. Review status: criteria provided, single submitter. Criteria: Invitae Variant Classification Sherloc (09022015). Collection method: clinical testing. Allele origin: germline.
Comment: This sequence change replaces proline, which is neutral and non-polar, with serine, which is neutral and polar, at codon 926 of the ATP2A1 protein (p.Pro926Ser). This variant is present in population databases (rs769822529, gnomAD 0.005%). This variant has not been reported in the literature in individuals affected with ATP2A1-related conditions. ClinVar contains an entry for this variant (Variation ID: 382542). An algorithm developed to predict the effect of missense changes on protein structure and function (PolyPhen-2) suggests that this variant is likely to be disruptive. In summary, the available evidence is currently insufficient to determine the role of this variant in disease. Therefore, it has been classified as a Variant of Uncertain Significance.

Ambry Genetics
Classification: Uncertain significance for Inborn genetic diseases. Last evaluated: 2022-10-26. Review status: criteria provided, single submitter. Criteria: Ambry Variant Classification Scheme 2023. Collection method: clinical testing. Allele origin: germline.

GeneDx
Classification: Uncertain significance. Last evaluated: 2015-12-22. Review status: criteria provided, single submitter. Criteria: GeneDx Variant Classification (06012015). Collection method: clinical testing. Allele origin: germline. Affected: yes.
Comment: A variant of uncertain significance has been identified in the ATP2A1 gene. The P926S variant has not been published as a pathogenic variant, nor has it been reported as a benign variant to our knowledge. It was not observed in approximately 6,500 individuals of European and African American ancestry in the NHLBI Exome Sequencing Project, indicating it is not a common benign variant in these populations. The P926S variant is a non-conservative amino acid substitution, which is likely to impact secondary protein structure as these residues differ in polarity, charge, size and/or other properties. This substitution occurs at a position that is conserved across species, and in silico analysis predicts this variant is probably damaging to the protein structure/function. However, missense variants in nearby residues have not been reported in the Human Gene Mutation Database in association with ATP2A1-related disorders (Stenson et al., 2014). Therefore, based on the currently available information, it is unclear whether this variant is a pathogenic variant or a rare benign variant.

NM_004320.6(ATP2A1):c.2776C>T (p.Pro926Ser)

Gene: ATP2A1 (ATPase sarcoplasmic/endoplasmic reticulum Ca2+ transporting 1; plus strand). Cytogenetic location: 16p11.2.
Variant type: single nucleotide variant.
Coding change: c.2776C>T on transcript NM_004320.6 (MANE Select); coding-DNA position 2776, C replaced by T.
Protein change: p.Pro926Ser; replaces proline 926 with serine.
Molecular consequence: missense variant.
Genome position (GRCh38, 1-based): chr16:28,903,061, C>T. VCF-style: chr16-28903061-C-T. GRCh37 (hg19) VCF-style: chr16-28914382-C-T.
Other names: c.2401C>T, p.Pro801Ser (NM_001286075.2); c.2776C>T, p.Pro926Ser (NM_173201.5); short protein forms P926S, P801S.
Identifiers: ClinVar variation 382542 (VCV000382542.10), dbSNP rs769822529, ClinGen allele CA7987403.
Genomic context (GRCh38, chr16:28,903,061, plus strand): 5'-TGCCTTCTCCCTCCCCTTCCCCTCTGCAGCCTGTCCGAGAACCAGTCCCTGCTGCGGATG[C>T]CACCCTGGGTGAACATCTGGCTGCTGGGCTCCATCTGCCTCTCCATGTCCCTGCACTTCC-3'
Protein context (NP_004311.1, residues 916-936): LSENQSLLRM[Pro926Ser]PWVNIWLLGS